The following is an entry in ClinVar:

ClinVar aggregate classification (germline): Pathogenic. Review status: criteria provided, multiple submitters, no conflicts (2 of 4 stars). 2 submissions from 2 submitters: Pathogenic (2). Last evaluated 2026-03-20.

Conditions:
TCOF1-related disorder. Also called: TCOF1-related condition.

Submissions (2):

PreventionGenetics, part of Exact Sciences
Classification: Pathogenic for TCOF1-related condition. Last evaluated: 2026-03-20. Review status: criteria provided, single submitter. Criteria: ACMG Guidelines, 2015. Collection method: clinical testing. Allele origin: germline.
Comment: The TCOF1 c.384_385delGA variant is predicted to result in a frameshift and premature protein termination (p.Glu128Aspfs*46). This variant was reported in an individual with Treacher Collins syndrome (Li et al. 2019. PubMed ID: 31107123). This variant has not been reported in a large population database (gnomAD), indicating this variant is rare. Frameshift variants in TCOF1 are expected to be pathogenic. This variant is interpreted as pathogenic.

GeneDx
Classification: Pathogenic. Last evaluated: 2022-05-11. Review status: criteria provided, single submitter. Criteria: GeneDx Variant Classification Process June 2021. Collection method: clinical testing. Allele origin: germline. Affected: yes.
Comment: Frameshift variant predicted to result in protein truncation or nonsense mediated decay in a gene for which loss-of-function is a known mechanism of disease; Not observed in large population cohorts (gnomAD); This variant is associated with the following publications: (PMID: 31107123)

NM_001371623.1(TCOF1):c.384_385del (p.Glu128fs)

Gene: TCOF1 (treacle ribosome biogenesis factor 1; plus strand). Cytogenetic location: 5q32.
Variant type: Microsatellite.
Coding change: c.384_385del on transcript NM_001371623.1 (MANE Select); coding-DNA positions 384 to 385, 2 bases deleted (GA; older notation c.384_385delGA).
Protein change: p.Glu128fs; shifts the reading frame from glutamic acid 128.
Molecular consequence: frameshift variant.
Genome position (GRCh38, 1-based): chr5:150,368,721-150,368,722, GA deleted; deleting any 2 consecutive bases within chr5:150,368,718-150,368,722 gives the same sequence; the c. name uses the placement nearest the transcript's 3' end. VCF-style (leftmost placement, unchanged base first): chr5-150368717-CAG-C. GRCh37 (hg19) VCF-style: chr5-149748280-CAG-C.
Other names: c.384_385delGA (NM_001135243.1); c.384_385del, p.Glu128fs (NM_000356.4, NM_001008657.3, NM_001135243.2 and 3 more transcripts); short protein forms E128fs.
Identifiers: ClinVar variation 1687709 (VCV001687709.3), dbSNP rs2150554560, ClinGen allele CA2580614777.
Genomic context (GRCh38, chr5:150,368,717, plus strand): 5'-CCTGTGCTCTTAGTTCACCATGCCATACCAGATGTGTCTGTCACTCTTGTTCTCTGTAGG[CAG>C]AGACAGAGAAAGCTGGCAAGACTGGGAATTCCATGCCACACCCTGCCACTGGGAAGACGG-3'